The following is an entry in ClinVar:

ClinVar aggregate classification (germline): Conflicting classifications of pathogenicity. Review status: criteria provided, conflicting classifications (1 of 4 stars). 3 submissions from 3 submitters: Uncertain significance (1); Benign (1); Likely benign (1). Last evaluated 2025-04-20.

Conditions:
Ovarian cancer. Also called: OVARIAN CANCER, SOMATIC. Identifiers: Orphanet 213500, MedGen C1140680, MONDO:0008170, OMIM 167000.
EGFR-related lung cancer (EGFR). Identifiers: MedGen CN130014.
Hereditary cancer-predisposing syndrome. Also called: Neoplastic Syndromes, Hereditary; Tumor predisposition; Hereditary neoplastic syndrome; Hereditary Cancer Syndrome. Identifiers: Orphanet 140162, MedGen C0027672, MeSH D009386, MONDO:0015356.

Allele frequency attached by ClinVar (database versions not stated): gnomAD exomes below 0.00001.
gnomAD v4.1: 2 of 1,614,214 alleles (0.00012%); highest among the groups gnomAD compares: South Asian, 0.0011%; no homozygotes.

Submissions (3):

Labcorp Genetics (formerly Invitae), Labcorp
Classification: Uncertain significance for EGFR-related lung cancer. Last evaluated: 2025-04-20. Review status: criteria provided, single submitter. Criteria: Invitae Variant Classification Sherloc (09022015). Collection method: clinical testing. Allele origin: germline.
Comment: This sequence change replaces isoleucine, which is neutral and non-polar, with valine, which is neutral and non-polar, at codon 569 of the EGFR protein (p.Ile569Val). This variant is not present in population databases (gnomAD no frequency). This variant has not been reported in the literature in individuals affected with EGFR-related conditions. ClinVar contains an entry for this variant (Variation ID: 838037). Invitae Evidence Modeling of protein sequence and biophysical properties (such as structural, functional, and spatial information, amino acid conservation, physicochemical variation, residue mobility, and thermodynamic stability) indicates that this missense variant is not expected to disrupt EGFR protein function with a negative predictive value of 80%. In summary, the available evidence is currently insufficient to determine the role of this variant in disease. Therefore, it has been classified as a Variant of Uncertain Significance.

Ambry Genetics
Classification: Likely benign for Hereditary cancer-predisposing syndrome. Last evaluated: 2025-02-07. Review status: criteria provided, single submitter. Criteria: Ambry Variant Classification Scheme 2023. Collection method: clinical testing. Allele origin: germline.

Laboratory of Molecular Epidemiology of Birth Defects, West China Second University Hospital, Sichuan University
Classification: Benign for Ovarian cancer. Last evaluated: 2022-01-01. Review status: criteria provided, single submitter. Criteria: ACMG Guidelines, 2015. Collection method: clinical testing. Allele origin: germline. Affected: yes.

NM_005228.5(EGFR):c.1705A>G (p.Ile569Val)

Gene: EGFR (epidermal growth factor receptor; plus strand). Cytogenetic location: 7p11.2.
Variant type: single nucleotide variant.
Coding change: c.1705A>G on transcript NM_005228.5 (MANE Select); coding-DNA position 1705, A replaced by G.
Protein change: p.Ile569Val; replaces isoleucine 569 with valine.
Molecular consequence: missense variant.
Genome position (GRCh38, 1-based): chr7:55,163,806, A>G. VCF-style: chr7-55163806-A-G. GRCh37 (hg19) VCF-style: chr7-55231499-A-G.
Other names: c.1705A>G (NM_005228.4); c.1570A>G, p.Ile524Val (NM_001346897.2, NM_001346899.2); c.1705A>G, p.Ile569Val (NM_001346898.2, NM_201282.2, NM_201284.2); c.1546A>G, p.Ile516Val (NM_001346900.2); c.904A>G, p.Ile302Val (NM_001346941.2); short protein forms I516V, I302V, I524V, I569V.
Identifiers: ClinVar variation 838037 (VCV000838037.12), dbSNP rs1785823693, ClinGen allele CA367580565.